The following is an entry in ClinVar:

ClinVar aggregate classification (germline): Uncertain significance. Review status: criteria provided, multiple submitters, no conflicts (2 of 4 stars). 3 submissions from 3 submitters: Uncertain significance (3). Last evaluated 2025-03-15.

Conditions:
Frasier syndrome. Identifiers: Orphanet 347, MedGen C0950122, MeSH D052159, MONDO:0007635, OMIM 136680.
Drash syndrome (DDS). Also called: NEPHROPATHY, WILMS TUMOR, AND GENITAL ANOMALIES; WILMS TUMOR AND PSEUDO- OR TRUE HERMAPHRODITISM. Identifiers: Orphanet 220, MedGen C0950121, MONDO:0008682, OMIM 194080.
Wilms tumor 1 (WT1). Also called: Wilms tumor, somatic. Identifiers: Orphanet 654, MedGen CN033288, MONDO:0008679, OMIM 194070.
11p partial monosomy syndrome (WAGR). Also called: CHROMOSOME 11p13 DELETION SYNDROME; WAGR syndrome; WAGR Complex; WAGR Spectrum Disorder. Identifiers: Orphanet 893, MedGen C0206115, MONDO:0008681, OMIM 194072.
Inborn genetic diseases. Identifiers: MedGen C0950123, MeSH D030342.

Submissions (3):

Ambry Genetics
Classification: Uncertain significance for Inborn genetic diseases. Last evaluated: 2025-03-15. Review status: criteria provided, single submitter. Criteria: Ambry Variant Classification Scheme 2023. Collection method: clinical testing. Allele origin: germline.
Comment: The p.M195V variant (also known as c.583A>G), located in coding exon 1 of the WT1 gene, results from an A to G substitution at nucleotide position 583. The methionine at codon 195 is replaced by valine, an amino acid with highly similar properties. This amino acid position is conserved. In addition, the in silico prediction for this alteration is inconclusive. Based on the available evidence, the clinical significance of this variant remains unclear.

All of Us Research Program, National Institutes of Health
Classification: Uncertain significance for Wilms tumor 1. Last evaluated: 2024-06-09. Review status: criteria provided, single submitter. Criteria: ACMG Guidelines, 2015. Collection method: clinical testing. Allele origin: germline. Inheritance: Autosomal dominant inheritance. Observed: 1 variant allele, 1 heterozygote.
Comment: This missense variant replaces methionine with valine at codon 195 of the WT1 protein. Computational prediction suggests that this variant may not impact protein structure and function. To our knowledge, functional studies have not been reported for this variant. This variant has not been reported in individuals affected with WT1-related disorders in the literature. This variant has not been identified in the general population by the Genome Aggregation Database (gnomAD). The available evidence is insufficient to determine the role of this variant in disease conclusively. Therefore, this variant is classified as a Variant of Uncertain Significance.

This study involves interpretation of variants in research participants for the purpose of population health screening. Participant phenotype was not available at the time of variant classification. Additional details can be found in publication PMID: 35346344, PMCID: PMC8962531

Labcorp Genetics (formerly Invitae), Labcorp
Classification: Uncertain significance for Wilms tumor 1; Drash syndrome; 11p partial monosomy syndrome; Frasier syndrome. Last evaluated: 2023-08-01. Review status: criteria provided, single submitter. Criteria: Invitae Variant Classification Sherloc (09022015). Collection method: clinical testing. Allele origin: germline.
Comment: An algorithm developed to predict the effect of missense changes on protein structure and function (PolyPhen-2) suggests that this variant is likely to be disruptive. In summary, the available evidence is currently insufficient to determine the role of this variant in disease. Therefore, it has been classified as a Variant of Uncertain Significance. This sequence change replaces methionine, which is neutral and non-polar, with valine, which is neutral and non-polar, at codon 195 of the WT1 protein (p.Met195Val). This variant is not present in population databases (gnomAD no frequency). This variant has not been reported in the literature in individuals affected with WT1-related conditions.

NM_024426.6(WT1):c.598A>G (p.Met200Val)

Genes: WT1 (WT1 transcription factor; minus strand), LOC107982234 (WT1/WT1-AS bi-directional promoter region; plus strand). Cytogenetic location: 11p13.
Variant type: single nucleotide variant.
Coding change: c.598A>G on transcript NM_024426.6 (MANE Select); coding-DNA position 598, A replaced by G.
Protein change: p.Met200Val; replaces methionine 200 with valine.
Molecular consequence: missense variant. On other transcripts: non-coding transcript variant (2).
Genome position (GRCh38, 1-based): chr11:32,434,763, T>C on the plus strand (A>G on the coding strand, the complement: WT1 is on the minus strand). VCF-style: chr11-32434763-T-C. GRCh37 (hg19) VCF-style: chr11-32456309-T-C.
Other names: c.598A>G, p.Met200Val (NM_001407050.1, NM_024424.5, NM_000378.6 and 6 more transcripts); c.583A>G, p.Met195Val (NM_024425.2); c.583A>G (NM_024426.4); short protein forms M195V, M200V.
Identifiers: ClinVar variation 2950552 (VCV002950552.5), dbSNP rs1853435610, ClinGen allele CA379964565.
Genomic context (GRCh38, chr11:32,434,763, plus strand): 5'-GATTGCGAATAGCGGGCTGGCTCTCGAGGCAGCTGGGCAGGTAGGGCGCGTTAGGAAACA[T>C]CCTGGCCTGGCCGGATGACGCCTGGCTGGGCGGAGGAGGACCGAAGGGCCCGTAGCGACA-3'
Protein context (NP_077744.4, residues 190-210): PSQASSGQAR[Met200Val]FPNAPYLPSC